The following is an entry in ClinVar:

ClinVar aggregate classification (germline): Pathogenic/Likely pathogenic. Review status: criteria provided, multiple submitters, no conflicts (2 of 4 stars). 20 submissions from 20 submitters: Pathogenic (6); Likely pathogenic (13). 1 of the submissions does not count toward it. Last evaluated 2026-08-03.

Conditions:
ATP7B-related disorder. Also called: ATP7B-related condition.
Wilson disease (WND). Also called: Wilson's disease. Identifiers: Orphanet 905, MedGen C0019202, MONDO:0010200, OMIM 277900. Disease mechanism: loss of function.

Allele frequency attached by ClinVar (database versions not stated): TOPMed 0.00004; 1000 Genomes Project 30x 0.00016; 1000 Genomes Project 0.00020.
gnomAD v4.1: 52 of 1,613,962 alleles (0.0032%); highest among the groups gnomAD compares: South Asian, 0.012%; no homozygotes.

Submissions 1 to 7 of 20:

Genelabs Medical  (pvt) Ltd
Classification: Pathogenic for Wilson disease. Last evaluated: 2026-08-03. Review status: criteria provided, single submitter. Criteria: ACMG Guidelines, 2015. Collection method: clinical testing. Allele origin: germline. Inheritance: Autosomal recessive inheritance. Affected: no. Observed: 1 heterozygote.
Comment: The missense variant NM_000053.4(ATP7B):c.2755C>T (p.Arg919Trp) is rare in population databases, observed in gnomAD in 11/91,072 alleles (allele frequency 0.0001208) in the South Asian population. This nucleotide change results in a missense change at codon 919 of the ATP7B gene. The affected residue is located in an exon enriched for pathogenic missense variation, with 13 pathogenic/likely pathogenic and 1 benign/likely benign missense variants reported in this region. Another pathogenic missense substitution affecting the same nucleotide, c.2755C>G, has previously been reported, supporting the functional importance of this site. The variant has been reported in at least 10 individuals with Wilson disease, including at least one homozygote and five compound heterozygous individuals (PMIDs: 23518715, 9671269, 23219664). In silico prediction using REVEL yielded a score of 0.75, supporting a deleterious effect on protein function. Based on the cumulative evidence, this variant is classified as Likely Pathogenic. (PM3_VeryStrong, PM1, PM2_Supporting, PM5, PP3)

Labcorp Genetics (formerly Invitae), Labcorp
Classification: Pathogenic for Wilson disease. Last evaluated: 2026-02-01. Review status: criteria provided, single submitter. Criteria: Invitae Variant Classification Sherloc (09022015). Collection method: clinical testing. Allele origin: germline.
Comment: This sequence change replaces arginine, which is basic and polar, with tryptophan, which is neutral and slightly polar, at codon 919 of the ATP7B protein (p.Arg919Trp). This variant is present in population databases (rs121907993, gnomAD 0.02%). This missense change has been observed in individual(s) with Wilson disease (PMID: 23219664, 25089800). It has also been observed to segregate with disease in related individuals. ClinVar contains an entry for this variant (Variation ID: 312386). Invitae Evidence Modeling of protein sequence and biophysical properties (such as structural, functional, and spatial information, amino acid conservation, physicochemical variation, residue mobility, and thermodynamic stability) indicates that this missense variant is expected to disrupt ATP7B protein function with a positive predictive value of 80%. This variant disrupts the p.Arg919 amino acid residue in ATP7B. Other variant(s) that disrupt this residue have been determined to be pathogenic (PMID: 11405812, 12376745, 17680703, 21796144, 23219664, 25089800, 26032686). This suggests that this residue is clinically significant, and that variants that disrupt this residue are likely to be disease-causing. For these reasons, this variant has been classified as Pathogenic.

PreventionGenetics, part of Exact Sciences
Classification: Likely pathogenic for ATP7B-related condition. Last evaluated: 2026-01-17. Review status: criteria provided, single submitter. Criteria: ACMG Guidelines, 2015. Collection method: clinical testing. Allele origin: germline.
Comment: The ATP7B c.2755C>T variant is predicted to result in the amino acid substitution p.Arg919Trp. This variant has been reported in multiple individuals with Wilson disease (Loudianos et al. 1998. PubMed ID: 9671269; family 1, Loudianos et al. 2012. PubMed ID: 23219664; Wei et al. 2014. PubMed ID: 25089800; Merle et al. 2010. PubMed ID: 20082719; Lepori et al. 2007. PubMed ID: 17949296; Weiss et al. 2010. PubMed ID: 20517649; Simsek Papur et al. 2013. PubMed ID: 23333878). This variant is reported in 0.019% of alleles in individuals of African descent in gnomAD and has been consistently interpreted as pathogenic and likely pathogenic by several other laboratories in the ClinVar database (Variation ID: 312386). A different missense change impacting the same amino acid (c.2755C>G, p.Arg919Gly) has been reported in the homozygous and compound heterozygous state in multiple individuals with Wilson disease (see for example: Yamaguchi. 1998. PubMed ID: 9452121; Wang et al. 2018. PubMed ID: 29637721). Taken together, this variant is interpreted as likely pathogenic.

Natera, Inc.
Classification: Pathogenic for Wilson disease. Last evaluated: 2026-01-15. Review status: criteria provided, single submitter. Criteria: Natera Variant Classification Schema (03/2026). Collection method: clinical testing. Allele origin: germline.
Comment: The c.2755C>T variant in ATP7B is a missense variant predicted to cause substitution of arginine to tryptophan at amino acid 919. This variant is rare in the general population with a frequency below the threshold expected for the associated phenotype(s). This variant has been observed in one or more individuals affected with the associated recessive disease, as either homozygous or compound heterozygous with a second variant (PMID: 33640437). Computational prediction algorithms indicate this variant is likely to affect gene or protein function. Given the available evidence, this variant is classified as Pathogenic.

Color Diagnostics, LLC DBA Color Health
Classification: Likely pathogenic for Wilson disease. Last evaluated: 2025-06-23. Review status: criteria provided, single submitter. Criteria: ACMG Guidelines, 2015. Collection method: clinical testing. Allele origin: germline.
Comment: This missense variant replaces arginine with tryptophan at codon 919 of the ATP7B protein. Computational prediction suggests that this variant may have deleterious impact on protein structure and function. To our knowledge, functional studies have not been reported for this variant. This variant has been reported in individuals affected with autosomal recessive Wilson disease (PMID: 9671269, 17949296, 20082719, 20517649, 23219664, 23333878, 23518715, 25089800). In two of these individuals, this variant was confirmed to be in the homozygous state (PMID: 25089800) or compound heterozygous state with a second pathogenic variant in the same gene (PMID: 23219664). This variant has been identified in 15/248730 chromosomes in the general population by the Genome Aggregation Database (gnomAD). Based on the available evidence, this variant is classified as Likely Pathogenic.

Revvity Omics, Revvity
Classification: Likely pathogenic for Wilson disease. Last evaluated: 2025-05-13. Review status: criteria provided, single submitter. Criteria: ACMG Guidelines, 2015. Collection method: clinical testing. Allele origin: germline.

ARUP Laboratories, Molecular Genetics and Genomics, ARUP Laboratories
Classification: Likely pathogenic for Wilson disease. Last evaluated: 2024-10-17. Review status: criteria provided, single submitter. Criteria: ARUP Molecular Germline Variant Investigation Process 2024. Collection method: clinical testing. Allele origin: germline.
Comment: The ATP7B c.2755C>T; p.Arg919Trp variant (rs121907993, ClinVar Variation ID: 312386) is reported in the literature in multiple individuals affected with Wilson disease (Collins 2021, Loudianos 1998, Loudianos 2013, Simsek 2013, Zhao 2019). This variant is found in the non-Finnish European population with an allele frequency of .007% (8/112722 alleles) in the Genome Aggregation Database (v2.1.1). Computational analyses predict that this variant is deleterious (REVEL: 0.75). Additionally, another variant at this codon (c.2755C>G, p.Arg919Gly) has been reported in individuals with Wilson disease and are considered pathogenic (Geng 2013, Takeshita 2002). Based on available information, this variant is considered to be likely pathogenic. References: Collins CJ et al. Direct Measurement of ATP7B Peptides Is Highly Effective in the Diagnosis of Wilson Disease. Gastroenterology. 2021 Jun;160(7):2367-2382.e1. PMID: 33640437 Geng J et al. Identification of one novel and nine recurrent mutations of the ATP7B gene in 11 children with Wilson disease. World J Pediatr. 2013 May;9(2):158-62. PMID: 23275100. Loudianos G et al. Further delineation of the molecular pathology of Wilson disease in the Mediterranean population. Hum Mutat. 1998;12(2):89-94. PMID: 9671269. Loudianos G et al. Wilson's disease in two consecutive generations: the detection of three mutated alleles in the ATP7B gene in two Sardinian families. Dig Liver Dis. 2013 Apr;45(4):342-5. PMID: 23219664. Simsek Papur O et al. Mutation analysis of ATP7B gene in Turkish Wilson disease patients: identification of five novel mutations. Eur J Med Genet. 2013 Apr;56(4):175-9. PMID: 23333878. Takeshita Y et al. Two families with Wilson disease in which siblings showed different phenotypes. J Hum Genet. 2002;47(10):543-7. PMID: 12376745. Zhao S et al. Pilot study of expanded carrier screening for 11 recessive diseases in China: results from 10,476 ethnically diverse couples. Eur J Hum Genet. 2019 Feb;27(2):254-262. PMID: 30275481

NM_000053.4(ATP7B):c.2755C>T (p.Arg919Trp)

Gene: ATP7B (ATPase copper transporting beta; minus strand). Cytogenetic location: 13q14.3.
Variant type: single nucleotide variant.
Coding change: c.2755C>T on transcript NM_000053.4 (MANE Select); coding-DNA position 2755, C replaced by T.
Protein change: p.Arg919Trp; replaces arginine 919 with tryptophan.
Molecular consequence: missense variant. On other transcripts: intron variant (1).
Genome position (GRCh38, 1-based): chr13:51,949,772, G>A on the plus strand (C>T on the coding strand, the complement: ATP7B is on the minus strand). VCF-style: chr13-51949772-G-A. GRCh37 (hg19) VCF-style: chr13-52523908-G-A.
Other names: c.2422C>T, p.Arg808Trp (NM_001243182.2); c.2521C>T, p.Arg841Trp (NM_001330578.2); c.2503C>T, p.Arg835Trp (NM_001330579.2); c.2244+235C>T (NM_001005918.3); short protein forms R919W, R835W, R841W, R808W.
Identifiers: ClinVar variation 312386 (VCV000312386.83), dbSNP rs121907993, ClinGen allele CA6988915.